The following is an entry in ClinVar:

ClinVar aggregate classification (germline): Uncertain significance (1 of 4 stars; one submission).

Allele frequency attached by ClinVar (database versions not stated): ExAC 0.00001; gnomAD exomes below 0.00001; TOPMed 0.00001.
gnomAD v4.1: 5 of 1,612,398 alleles (0.00031%); highest among the groups gnomAD compares: Admixed American, 0.005%; no homozygotes.

Submission:

Labcorp Genetics (formerly Invitae), Labcorp
Classification: Uncertain significance. Last evaluated: 2025-10-16. Review status: criteria provided, single submitter. Criteria: Invitae Variant Classification Sherloc (09022015). Collection method: clinical testing. Allele origin: germline.
Comment: This sequence change replaces isoleucine, which is neutral and non-polar, with threonine, which is neutral and polar, at codon 124 of the DSG1 protein (p.Ile124Thr). This variant is present in population databases (rs745843187, gnomAD 0.006%). This variant has not been reported in the literature in individuals affected with DSG1-related conditions. ClinVar contains an entry for this variant (Variation ID: 2892569). An algorithm developed to predict the effect of missense changes on protein structure and function (PolyPhen-2) suggests that this variant is likely to be tolerated. In summary, the available evidence is currently insufficient to determine the role of this variant in disease. Therefore, it has been classified as a Variant of Uncertain Significance.

NM_001942.4(DSG1):c.371T>C (p.Ile124Thr)

Gene: DSG1 (desmoglein 1; plus strand). Cytogenetic location: 18q12.1.
Variant type: single nucleotide variant.
Coding change: c.371T>C on transcript NM_001942.4 (MANE Select); coding-DNA position 371, T replaced by C.
Protein change: p.Ile124Thr; replaces isoleucine 124 with threonine.
Molecular consequence: missense variant.
Genome position (GRCh38, 1-based): chr18:31,328,343, T>C. VCF-style: chr18-31328343-T-C. GRCh37 (hg19) VCF-style: chr18-28908306-T-C.
Other names: short protein forms I124T.
Identifiers: ClinVar variation 2892569 (VCV002892569.3), dbSNP rs745843187, ClinGen allele CA8925823.